The following is an entry in ClinVar:

ClinVar aggregate classification (germline): Uncertain significance. Review status: criteria provided, multiple submitters, no conflicts (2 of 4 stars). 3 submissions from 3 submitters: Uncertain significance (2). 1 of the submissions does not count toward it. Last evaluated 2023-10-13.

Conditions:
Retinal dystrophy. Also called: Inherited retinal dystrophy. Identifiers: Orphanet 71862, MedGen C0854723, MeSH D058499, MONDO:0019118, HP:0000556.

Allele frequency attached by ClinVar (database versions not stated): ExAC 0.00001; gnomAD exomes 0.00001; gnomAD 0.00002; TOPMed 0.00002.
gnomAD v4.1: 13 of 1,614,068 alleles (0.00081%); highest among the groups gnomAD compares: Admixed American, 0.005%; no homozygotes.

Submissions (3):

Ambry Genetics
Classification: Uncertain significance. Last evaluated: 2023-10-13. Review status: criteria provided, single submitter. Criteria: Ambry Variant Classification Scheme 2023. Collection method: clinical testing. Allele origin: germline.

Labcorp Genetics (formerly Invitae), Labcorp
Classification: Uncertain significance. Last evaluated: 2020-08-25. Review status: criteria provided, single submitter. Criteria: Invitae Variant Classification Sherloc (09022015). Collection method: clinical testing. Allele origin: germline.
Comment: This sequence change replaces arginine with histidine at codon 317 of the PITPNM3 protein (p.Arg317His). The arginine residue is highly conserved and there is a small physicochemical difference between arginine and histidine. This variant is present in population databases (rs757430953, ExAC 0.006%). This variant has not been reported in the literature in individuals with PITPNM3-related conditions. Algorithms developed to predict the effect of missense changes on protein structure and function (SIFT, PolyPhen-2, Align-GVGD) all suggest that this variant is likely to be tolerated, but these predictions have not been confirmed by published functional studies and their clinical significance is uncertain. In summary, the available evidence is currently insufficient to determine the role of this variant in disease. Therefore, it has been classified as a Variant of Uncertain Significance.

Institute of Human Genetics, Univ. Regensburg, Univ. Regensburg
Classification: Uncertain significance for Retinal dystrophy. Last evaluated: 2022-01-01. Review status: no assertion criteria provided. Criteria: ACMG Guidelines, 2015. Collection method: clinical testing. Allele origin: germline. Affected: yes. Not counted in ClinVar's aggregate classification.

NM_031220.4(PITPNM3):c.950G>A (p.Arg317His)

Gene: PITPNM3 (PITPNM family member 3; minus strand). Cytogenetic location: 17p13.2.
Variant type: single nucleotide variant.
Coding change: c.950G>A on transcript NM_031220.4 (MANE Select); coding-DNA position 950, G replaced by A.
Protein change: p.Arg317His; replaces arginine 317 with histidine.
Molecular consequence: missense variant.
Genome position (GRCh38, 1-based): chr17:6,477,164, C>T on the plus strand (G>A on the coding strand, the complement: PITPNM3 is on the minus strand). VCF-style: chr17-6477164-C-T. GRCh37 (hg19) VCF-style: chr17-6380484-C-T.
Other names: c.842G>A, p.Arg281His (NM_001165966.2); c.950G>A (NM_031220.3); short protein forms R281H, R317H.
Identifiers: ClinVar variation 1007525 (VCV001007525.10), dbSNP rs757430953, ClinGen allele CA8329660.
Genomic context (GRCh38, chr17:6,477,164, plus strand): 5'-GGCCTCTTGGGCTCCTCATCCTCCAACCCACTGGAGATGTCAATGTTGCTTTTGCTGAGA[C>T]GCTTGCTGCTGGCCAGGCTGCAATCTTCCTCCACCGCGACTGGGGTGTCCTTTGGGACCG-3'
Protein context (NP_112497.2, residues 307-327): EEDCSLASSK[Arg317His]LSKSNIDISS